The following is an entry in ClinVar:

NM_000321.3(RB1):c.2521-11G>A

Gene: RB1 (RB transcriptional corepressor 1; plus strand). Cytogenetic location: 13q14.2.
Variant type: single nucleotide variant.
Coding change: c.2521-11G>A on transcript NM_000321.3 (MANE Select); 11 bases into the intron before coding-DNA position 2521, G replaced by A.
Molecular consequence: intron variant.
Genome position (GRCh38, 1-based): chr13:48,476,690, G>A. VCF-style: chr13-48476690-G-A. GRCh37 (hg19) VCF-style: chr13-49050826-G-A.
Identifiers: ClinVar variation 312296 (VCV000312296.35), dbSNP rs4151624, ClinGen allele CA036066.

ClinVar aggregate classification (germline): Benign/Likely benign. Review status: criteria provided, multiple submitters, no conflicts (2 of 4 stars). 17 submissions from 17 submitters: Benign (11); Likely benign (6). Last evaluated 2026-06-25.

Conditions:
Retinoblastoma (RB1). Also called: RETINOBLASTOMA, SOMATIC. Identifiers: Orphanet 790, MedGen C0035335, MeSH D012175, MONDO:0008380, OMIM 180200, HP:0009919. Disease mechanism: loss of function. Inheritance: Both sporadic and heritable forms are tested..
Hereditary retinoblastoma. Identifiers: Orphanet 357027, MedGen C0751483, MONDO:0018160.
Hereditary cancer-predisposing syndrome. Also called: Tumor predisposition; Neoplastic Syndromes, Hereditary; Hereditary Cancer Syndrome; Hereditary neoplastic syndrome. Identifiers: Orphanet 140162, MedGen C0027672, MeSH D009386, MONDO:0015356.

Allele frequency attached by ClinVar (database versions not stated): 1000 Genomes Project 0.00339; 1000 Genomes Project 30x 0.00344; TOPMed 0.00549; gnomAD 0.00551 and 0.00570; gnomAD exomes 0.00634 and 0.00840; ESP Exome Variant Server 0.00638; ExAC 0.00652.
gnomAD v4.1: 12,995 of 1,609,928 alleles (0.81%); highest among the groups gnomAD compares: Middle Eastern, 1.3%; 74 homozygotes.

Submissions (17):

Myriad Genetics, Inc.
Classification: Benign for Retinoblastoma. Last evaluated: 2026-06-25. Review status: criteria provided, single submitter. Criteria: Myriad Autosomal Dominant, Autosomal Recessive and X-Linked Classification Criteria (2023). Collection method: clinical testing. Allele origin: unknown.
Comment: This variant is considered benign. This variant is intronic and is not expected to impact mRNA splicing. This variant has been observed at a population frequency that is significantly greater than expected given the associated disease prevalence and penetrance.

Labcorp Genetics (formerly Invitae), Labcorp
Classification: Benign for Retinoblastoma. Last evaluated: 2026-02-04. Review status: criteria provided, single submitter. Criteria: Invitae Variant Classification Sherloc (09022015). Collection method: clinical testing. Allele origin: germline.

Ramesar Group, Division of Human Genetics, Institute of Infectious Diseases and Molecular Medicine, UCT/MRC Genomic and Precision Medicine Research Unit, University of Cape Town
Classification: Likely benign for Hereditary retinoblastoma. Last evaluated: 2025-09-17. Review status: criteria provided, single submitter. Criteria: ACMG Guidelines, 2015. Collection method: research. Allele origin: germline. Affected: no.
Comment: BP5 - Variant found in a patient with a different retinal disease; RB1 is not associated with the phenotype BP6 - Reported as benign in ClinVar BP7 - A non-coding variant with no predicted effect on splicing (SpliceAI scores are negligible)

ARUP Laboratories, Molecular Genetics and Genomics, ARUP Laboratories
Classification: Benign. Last evaluated: 2025-07-30. Review status: criteria provided, single submitter. Criteria: ARUP Molecular Germline Variant Investigation Process 2024. Collection method: clinical testing. Allele origin: germline.

Center for Genomic Medicine, Rigshospitalet, Copenhagen University Hospital
Classification: Likely benign. Last evaluated: 2025-03-04. Review status: criteria provided, single submitter. Criteria: ACMG Guidelines, 2015. Collection method: clinical testing. Allele origin: germline.

Blueprint Genetics
Classification: Likely benign. Last evaluated: 2024-11-25. Review status: criteria provided, single submitter. Criteria: ACMG Guidelines, 2015. Collection method: clinical testing. Allele origin: germline.

All of Us Research Program, National Institutes of Health
Classification: Benign for Retinoblastoma. Last evaluated: 2024-10-01. Review status: criteria provided, single submitter. Criteria: ACMG Guidelines, 2015. Collection method: clinical testing. Allele origin: germline. Inheritance: Autosomal dominant inheritance. Observed: 2,211 variant alleles, 2,199 heterozygotes, 10 homozygotes, 2 hemizygotes.
Comment: This study involves interpretation of variants in research participants for the purpose of population health screening. Participant phenotype was not available at the time of variant classification. Additional details can be found in publication PMID: 35346344, PMCID: PMC8962531

Genetic Diagnostic Laboratory, University of Pennsylvania School of Medicine
Classification: Likely benign for Retinoblastoma. Last evaluated: 2024-05-20. Review status: criteria provided, single submitter. Criteria: ACMG Guidelines, 2015. Collection method: clinical testing. Allele origin: germline. Affected: yes. Observed: 1 variant allele.
Comment: Case and Pedigree Information: BILATERAL CASES:0, UNILATERAL CASES:1, TOTAL CASES:1, PEDIGREES:1. ACMG Codes Applied:BS1, BP4

KCCC/NGS Laboratory, Kuwait Cancer Control Center
Classification: Benign for Retinoblastoma. Last evaluated: 2023-07-07. Review status: criteria provided, single submitter. Criteria: ACMG Guidelines, 2015. Collection method: clinical testing. Allele origin: germline. Affected: yes.

Color Diagnostics, LLC DBA Color Health
Classification: Benign for Retinoblastoma. Last evaluated: 2022-05-04. Review status: criteria provided, single submitter. Criteria: ACMG Guidelines, 2015. Collection method: clinical testing. Allele origin: germline.

Sema4
Classification: Benign for Hereditary cancer-predisposing syndrome. Last evaluated: 2020-02-24. Review status: criteria provided, single submitter. Criteria: Sema4 Curation Guidelines. Collection method: curation. Allele origin: germline.

Mendelics
Classification: Likely benign for Retinoblastoma. Last evaluated: 2019-05-28. Review status: criteria provided, single submitter. Criteria: Mendelics Assertion Criteria 2017. Collection method: clinical testing. Allele origin: unknown.

Illumina Laboratory Services, Illumina
Classification: Benign for Retinoblastoma. Last evaluated: 2018-01-12. Review status: criteria provided, single submitter. Criteria: ICSL Variant Classification Criteria 13 December 2019. Collection method: clinical testing. Allele origin: germline.
Comment: This variant was observed in the ICSL laboratory as part of a predisposition screen in an ostensibly healthy population. It had not been previously curated by ICSL or reported in the Human Gene Mutation Database (HGMD: prior to June 1st, 2018), and was therefore a candidate for classification through an automated scoring system. Utilizing variant allele frequency, disease prevalence and penetrance estimates, and inheritance mode, an automated score was calculated to assess if this variant is too frequent to cause the disease. Based on the score and internal cut-off values, a variant classified as benign is not then subjected to further curation. The score for this variant resulted in a classification of benign for this disease.

GeneDx
Classification: Benign. Last evaluated: 2016-11-14. Review status: criteria provided, single submitter. Criteria: GeneDx Variant Classification (06012015). Collection method: clinical testing. Allele origin: germline. Affected: yes.
Comment: This variant is considered likely benign or benign based on one or more of the following criteria: it is a conservative change, it occurs at a poorly conserved position in the protein, it is predicted to be benign by multiple in silico algorithms, and/or has population frequency not consistent with disease.

Women's Health and Genetics/Laboratory Corporation of America, LabCorp
Classification: Benign. Last evaluated: 2016-05-25. Review status: criteria provided, single submitter. Criteria: LabCorp Variant Classification Summary - May 2015. Collection method: clinical testing. Allele origin: germline.
Comment: Variant summary: The RB1 c.2521-11G>A variant causes the alteration of a non-conserved intronic nucleotide with 5/5 splice prediction tools predicting no significant impact on splicing or on ESE binding, although these predictions have yet to be functionally assessed. The variant of interest was observed in the large, broad control population, ExAC, with an allele frequency of 776/118946 (6 homozygotes, 1/153, frequency: 0.006524), which significantly exceeds the estimated maximal expected allele frequency for a pathogenic RB1 variant of 1/23980 (0.0000417), suggesting this variant is likely a benign polymorphism. Therefore, the variant of interest has been classified as Benign.

Ambry Genetics
Classification: Benign for Hereditary cancer-predisposing syndrome. Last evaluated: 2015-10-11. Review status: criteria provided, single submitter. Criteria: Ambry Variant Classification Scheme 2023. Collection method: clinical testing. Allele origin: germline.

Breakthrough Genomics
Classification: Likely benign. Review status: criteria provided, single submitter. Criteria: ACMG Guidelines, 2015. Collection method: not provided. Allele origin: germline. Inheritance: Autosomal dominant inheritance. Affected: yes.